The following is an entry in ClinVar:

ClinVar aggregate classification (germline): Likely pathogenic (1 of 4 stars; one submission).

Submission:

GeneDx
Classification: Likely pathogenic. Last evaluated: 2018-11-26. Review status: criteria provided, single submitter. Criteria: GeneDx Variant Classification (06012015). Collection method: clinical testing. Allele origin: germline. Affected: yes.
Comment: The Y308X variant in the UBTF gene has not been reported previously as a pathogenic variant nor as a benign variant, to our knowledge. This variant is predicted to cause loss of normal protein function either through protein truncation or nonsense-mediated mRNA decay. The Y308X variant is not observed in large population cohorts (Lek et al., 2016). We interpret Y308X as a likely pathogenic variant.

NM_014233.4(UBTF):c.924C>G (p.Tyr308Ter)

Genes: ATXN7L3-AS1 (ATXN7L3 antisense RNA 1; plus strand), UBTF (upstream binding transcription factor; minus strand). Cytogenetic location: 17q21.31.
Variant type: single nucleotide variant.
Coding change: c.924C>G on transcript NM_014233.4 (MANE Select); coding-DNA position 924, C replaced by G.
Protein change: p.Tyr308Ter; replaces tyrosine 308 with a stop codon.
Molecular consequence: nonsense. On other transcripts: non-coding transcript variant (1).
Genome position (GRCh38, 1-based): chr17:44,211,729, G>C on the plus strand (C>G on the coding strand, the complement: UBTF is on the minus strand). VCF-style: chr17-44211729-G-C. GRCh37 (hg19) VCF-style: chr17-42289097-G-C.
Other names: c.813C>G, p.Tyr271Ter (NM_001076683.2, NM_001076684.3); short protein forms Y271*, Y308*.
Identifiers: ClinVar variation 620473 (VCV000620473.1), dbSNP rs1567797466, ClinGen allele CA399762778.